The following is an entry in ClinVar:

NM_004839.4(HOMER2):c.820G>C (p.Glu274Gln)

Gene: HOMER2 (homer scaffold protein 2; minus strand). Cytogenetic location: 15q25.2.
Variant type: single nucleotide variant.
Coding change: c.820G>C on transcript NM_004839.4 (MANE Select); coding-DNA position 820, G replaced by C.
Protein change: p.Glu274Gln; replaces glutamic acid 274 with glutamine.
Molecular consequence: missense variant.
Genome position (GRCh38, 1-based): chr15:82,851,174, C>G on the plus strand (G>C on the coding strand, the complement: HOMER2 is on the minus strand). VCF-style: chr15-82851174-C-G. GRCh37 (hg19) VCF-style: chr15-83519926-C-G.
Other names: c.853G>C, p.Glu285Gln (NM_199330.3); short protein forms E274Q, E285Q.
Identifiers: ClinVar variation 4891326 (VCV004891326.1).

ClinVar aggregate classification (germline): Uncertain significance (1 of 4 stars; one submission).

Submission:

GeneDx
Classification: Uncertain significance. Last evaluated: 2023-01-20. Review status: criteria provided, single submitter. Criteria: GeneDx Variant Classification Process June 2021. Collection method: clinical testing. Allele origin: germline.
Comment: Not observed at significant frequency in large population cohorts (gnomAD); In silico analysis supports that this missense variant does not alter protein structure/function; Has not been previously published as pathogenic or benign to our knowledge; Variants in candidate genes are classified as variants of uncertain significance in accordance with ACMG guidelines (Richards et al., 2015)